The following is an entry in ClinVar:

ClinVar aggregate classification (germline): Uncertain significance (1 of 4 stars; one submission).

Conditions:
Frontotemporal dementia and/or amyotrophic lateral sclerosis 4. Also called: FTDALS4. Identifiers: Orphanet 275872, MedGen C4225325, MONDO:0014641, OMIM 616439.

Submission:

Labcorp Genetics (formerly Invitae), Labcorp
Classification: Uncertain significance for Frontotemporal dementia and/or amyotrophic lateral sclerosis 4. Last evaluated: 2022-05-05. Review status: criteria provided, single submitter. Criteria: Invitae Variant Classification Sherloc (09022015). Collection method: clinical testing. Allele origin: germline.
Comment: In summary, the available evidence is currently insufficient to determine the role of this variant in disease. Therefore, it has been classified as a Variant of Uncertain Significance. Advanced modeling of protein sequence and biophysical properties (such as structural, functional, and spatial information, amino acid conservation, physicochemical variation, residue mobility, and thermodynamic stability) performed at Invitae indicates that this missense variant is not expected to disrupt TBK1 protein function. This variant has not been reported in the literature in individuals affected with TBK1-related conditions. This variant is not present in population databases (gnomAD no frequency). This sequence change replaces lysine, which is basic and polar, with asparagine, which is neutral and polar, at codon 197 of the TBK1 protein (p.Lys197Asn).

NM_013254.4(TBK1):c.591A>C (p.Lys197Asn)

Gene: TBK1 (TANK binding kinase 1; plus strand). Cytogenetic location: 12q14.2.
Variant type: single nucleotide variant.
Coding change: c.591A>C on transcript NM_013254.4 (MANE Select); coding-DNA position 591, A replaced by C.
Protein change: p.Lys197Asn; replaces lysine 197 with asparagine.
Molecular consequence: missense variant.
Genome position (GRCh38, 1-based): chr12:64,474,280, A>C. VCF-style: chr12-64474280-A-C. GRCh37 (hg19) VCF-style: chr12-64868060-A-C.
Other names: short protein forms K197N.
Identifiers: ClinVar variation 2134037 (VCV002134037.4), dbSNP rs759416696, ClinGen allele CA385597473.
Genomic context (GRCh38, chr12:64,474,280, plus strand): 5'-TTAATCTTAGCACCCTGATATGTATGAGAGAGCAGTGCTAAGAAAAGATCATCAGAAGAA[A>C]TATGGAGCAACAGTTGATCTTTGGAGCATTGGGGTAACATTTTACCATGCAGCTACTGGA-3'
Protein context (NP_037386.1, residues 187-207): RAVLRKDHQK[Lys197Asn]YGATVDLWSI